The following is an entry in ClinVar:

NM_001369.3(DNAH5):c.12128C>T (p.Thr4043Met)

Gene: DNAH5 (dynein axonemal heavy chain 5; minus strand). Cytogenetic location: 5p15.2.
Variant type: single nucleotide variant.
Coding change: c.12128C>T on transcript NM_001369.3 (MANE Select); coding-DNA position 12128, C replaced by T.
Protein change: p.Thr4043Met; replaces threonine 4043 with methionine.
Molecular consequence: missense variant.
Genome position (GRCh38, 1-based): chr5:13,721,151, G>A on the plus strand (C>T on the coding strand, the complement: DNAH5 is on the minus strand). VCF-style: chr5-13721151-G-A. GRCh37 (hg19) VCF-style: chr5-13721260-G-A.
Other names: short protein forms T4043M.
Identifiers: ClinVar variation 855973 (VCV000855973.11), dbSNP rs529288295, ClinGen allele CA113920758.

ClinVar aggregate classification (germline): Uncertain significance. Review status: criteria provided, single submitter (1 of 4 stars). 2 submissions from 2 submitters: Uncertain significance (1). 1 of the submissions does not count toward it. Last evaluated 2021-08-27.

Conditions:
Primary ciliary dyskinesia. Also called: Ciliary dyskinesia. Identifiers: Orphanet 244, MedGen C0008780, MONDO:0016575, HP:0012265.

Allele frequency attached by ClinVar (database versions not stated): gnomAD exomes below 0.00001 and 0.00001; gnomAD 0.00001; TOPMed 0.00001.
gnomAD v4.1: 7 of 1,613,954 alleles (0.00043%); highest among the groups gnomAD compares: East Asian, 0.0022%; no homozygotes.

Submissions (2):

Labcorp Genetics (formerly Invitae), Labcorp
Classification: Uncertain significance for Primary ciliary dyskinesia. Last evaluated: 2021-08-27. Review status: criteria provided, single submitter. Criteria: Invitae Variant Classification Sherloc (09022015). Collection method: clinical testing. Allele origin: germline.
Comment: This sequence change replaces threonine with methionine at codon 4043 of the DNAH5 protein (p.Thr4043Met). The threonine residue is moderately conserved and there is a moderate physicochemical difference between threonine and methionine. This variant is not present in population databases (ExAC no frequency). This variant has not been reported in the literature in individuals affected with DNAH5-related conditions. Algorithms developed to predict the effect of missense changes on protein structure and function are either unavailable or do not agree on the potential impact of this missense change (SIFT: "Deleterious"; PolyPhen-2: "Probably Damaging"; Align-GVGD: "Class C0"). In summary, the available evidence is currently insufficient to determine the role of this variant in disease. Therefore, it has been classified as a Variant of Uncertain Significance.

Natera, Inc.
Classification: Uncertain significance for Primary ciliary dyskinesia. Last evaluated: 2021-02-08. Review status: no assertion criteria provided. Collection method: clinical testing. Allele origin: germline. Not counted in ClinVar's aggregate classification.